The following is an entry in ClinVar:

NM_001384125.1(BLTP1):c.2783C>T (p.Thr928Ile)

Gene: BLTP1 (bridge-like lipid transfer protein family member 1; plus strand). Cytogenetic location: 4q27.
Variant type: single nucleotide variant.
Coding change: c.2783C>T on transcript NM_001384125.1 (MANE Select); coding-DNA position 2783, C replaced by T.
Protein change: p.Thr928Ile; replaces threonine 928 with isoleucine.
Molecular consequence: missense variant.
Genome position (GRCh38, 1-based): chr4:122,224,667, C>T. VCF-style: chr4-122224667-C-T. GRCh37 (hg19) VCF-style: chr4-123145822-C-T.
Other names: c.2783C>T, p.Thr928Ile (NM_015312.4); short protein forms T928I.
Identifiers: ClinVar variation 1338856 (VCV001338856.2), dbSNP rs2150075716, ClinGen allele CA358079407.

ClinVar aggregate classification (germline): Uncertain significance (1 of 4 stars; one submission).

Conditions:
Alkuraya-Kucinskas syndrome. Identifiers: Orphanet 610569, MedGen C4693347, MONDO:0060631, OMIM 617822.

Submission:

Molecular Genetics, Royal Melbourne Hospital
Classification: Uncertain significance for Alkuraya-Kucinskas syndrome. Last evaluated: 2023-03-30. Review status: criteria provided, single submitter. Criteria: ACMG Guidelines, 2015. Collection method: clinical testing. Allele origin: germline.
Comment: This sequence change in KIAA1109 is predicted to replace threonine with isoleucine at codon 928, p.(Thr928Ile). The threonine residue is highly conserved (100 vertebrates, UCSC), and is not located in an annotated functional domain. There is a moderate physicochemical difference between threonine and isoleucine. This variant is absent from gnomAD v2.1 and v3.1. To our knowledge, this variant has not been reported in the literature in any individuals with KIAA1109-related disease. Multiple lines of computational evidence predict a deleterious effect for the missense substitution (4/5 algorithms). Based on the classification scheme RMH Modified ACMG Guidelines v1.4.0, this variant is classified as a VARIANT OF UNCERTAIN SIGNIFICANCE. Following criteria are met: PM2_Supporting, PP3.